The following is an entry in ClinVar:

ClinVar aggregate classification (germline): Uncertain significance (1 of 4 stars; one submission).

Conditions:
Inborn genetic diseases. Identifiers: MedGen C0950123, MeSH D030342.

Submission:

Ambry Genetics
Classification: Uncertain significance for Inborn genetic diseases. Last evaluated: 2018-01-22. Review status: criteria provided, single submitter. Criteria: Ambry Variant Classification Scheme 2023. Collection method: clinical testing. Allele origin: germline.
Comment: The p.P1514T variant (also known as c.4540C>A), located in coding exon 24 of the SCN2A gene, results from a C to A substitution at nucleotide position 4540. The proline at codon 1514 is replaced by threonine, an amino acid with highly similar properties. This amino acid position is highly conserved in available vertebrate species. In addition, this alteration is predicted to be deleterious by in silico analysis. Since supporting evidence is limited at this time, the clinical significance of this alteration remains unclear.

NM_001040142.2(SCN2A):c.4540C>A (p.Pro1514Thr)

Gene: SCN2A (sodium voltage-gated channel alpha subunit 2; plus strand). Cytogenetic location: 2q24.3.
Variant type: single nucleotide variant.
Coding change: c.4540C>A on transcript NM_001040142.2 (MANE Select); coding-DNA position 4540, C replaced by A.
Protein change: p.Pro1514Thr; replaces proline 1514 with threonine.
Molecular consequence: missense variant.
Genome position (GRCh38, 1-based): chr2:165,381,186, C>A. VCF-style: chr2-165381186-C-A. GRCh37 (hg19) VCF-style: chr2-166237696-C-A.
Other names: c.4540C>A, p.Pro1514Thr (NM_001040143.2, NM_001371246.1, NM_001371247.1 and 1 more transcripts); short protein forms P1514T.
Identifiers: ClinVar variation 1741359 (VCV001741359.2), dbSNP rs2468129826, ClinGen allele CA349034953.